The following is an entry in ClinVar:

ClinVar aggregate classification (germline): Uncertain significance. Review status: criteria provided, multiple submitters, no conflicts (2 of 4 stars). 2 submissions from 2 submitters: Uncertain significance (2). Last evaluated 2024-02-13.

Conditions:
Inborn genetic diseases. Identifiers: MedGen C0950123, MeSH D030342.

Allele frequency attached by ClinVar (database versions not stated): gnomAD exomes 0.00001; TOPMed 0.00003.
gnomAD v4.1: 6 of 1,609,146 alleles (0.00037%); highest among the groups gnomAD compares: Admixed American, 0.0017%; no homozygotes.

Submissions (2):

Ambry Genetics
Classification: Uncertain significance for Inborn genetic diseases. Last evaluated: 2024-02-13. Review status: criteria provided, single submitter. Criteria: Ambry Variant Classification Scheme 2023. Collection method: clinical testing. Allele origin: germline.

Labcorp Genetics (formerly Invitae), Labcorp
Classification: Uncertain significance. Last evaluated: 2022-08-16. Review status: criteria provided, single submitter. Criteria: Invitae Variant Classification Sherloc (09022015). Collection method: clinical testing. Allele origin: germline.
Comment: This sequence change replaces alanine, which is neutral and non-polar, with valine, which is neutral and non-polar, at codon 1125 of the ASPM protein (p.Ala1125Val). This variant is present in population databases (no rsID available, gnomAD 0.003%). This variant has not been reported in the literature in individuals affected with ASPM-related conditions. Algorithms developed to predict the effect of missense changes on protein structure and function are either unavailable or do not agree on the potential impact of this missense change (SIFT: "Tolerated"; PolyPhen-2: "Possibly Damaging"; Align-GVGD: "Class C0"). In summary, the available evidence is currently insufficient to determine the role of this variant in disease. Therefore, it has been classified as a Variant of Uncertain Significance.

NM_018136.5(ASPM):c.3374C>T (p.Ala1125Val)

Gene: ASPM (assembly factor for spindle microtubules; minus strand). Cytogenetic location: 1q31.3.
Variant type: single nucleotide variant.
Coding change: c.3374C>T on transcript NM_018136.5 (MANE Select); coding-DNA position 3374, C replaced by T.
Protein change: p.Ala1125Val; replaces alanine 1125 with valine.
Molecular consequence: missense variant.
Genome position (GRCh38, 1-based): chr1:197,124,126, G>A on the plus strand (C>T on the coding strand, the complement: ASPM is on the minus strand). VCF-style: chr1-197124126-G-A. GRCh37 (hg19) VCF-style: chr1-197093256-G-A.
Other names: c.3374C>T, p.Ala1125Val (NM_001206846.2); c.3374C>T (NM_018136.4); short protein forms A1125V.
Identifiers: ClinVar variation 2045506 (VCV002045506.2), dbSNP rs1432937917, ClinGen allele CA344041524.